The following is an entry in ClinVar:

ClinVar aggregate classification (germline): Benign/Likely benign. Review status: criteria provided, multiple submitters, no conflicts (2 of 4 stars). 2 submissions from 2 submitters: Benign (1); Likely benign (1). Last evaluated 2024-04-03.

Conditions:
Familial adenomatous polyposis 1 (FAP1). Also called: FAMILIAL ADENOMATOUS POLYPOSIS 1, ATTENUATED; POLYPOSIS, ADENOMATOUS INTESTINAL. Identifiers: MedGen C2713442, MONDO:0021056, OMIM 175100. Disease mechanism: loss of function.

Submissions (2):

Myriad Genetics, Inc.
Classification: Benign for Familial adenomatous polyposis 1. Last evaluated: 2024-04-03. Review status: criteria provided, single submitter. Criteria: Myriad Autosomal Dominant, Autosomal Recessive and X-Linked Classification Criteria (2023). Collection method: clinical testing. Allele origin: unknown.
Comment: This variant is considered benign. This variant is a silent/synonymous amino acid change and it is not expected to impact splicing.

Labcorp Genetics (formerly Invitae), Labcorp
Classification: Likely benign. Last evaluated: 2018-04-06. Review status: criteria provided, single submitter. Criteria: Invitae Variant Classification Sherloc (09022015). Collection method: clinical testing. Allele origin: germline.

NM_000038.6(APC):c.5958T>G (p.Pro1986=)

Gene: APC (APC regulator of Wnt signaling pathway; plus strand). Cytogenetic location: 5q22.2.
Variant type: single nucleotide variant.
Coding change: c.5958T>G on transcript NM_000038.6 (MANE Select); coding-DNA position 5958, T replaced by G.
Protein change: p.Pro1986=; no amino-acid change (proline 1986 retained).
Molecular consequence: synonymous variant.
Genome position (GRCh38, 1-based): chr5:112,841,552, T>G. VCF-style: chr5-112841552-T-G. GRCh37 (hg19) VCF-style: chr5-112177249-T-G.
Other names: c.5958T>G, p.Pro1986= (NM_001127510.3, NM_001354895.2); c.5904T>G, p.Pro1968= (NM_001127511.3); c.6012T>G, p.Pro2004= (NM_001354896.2); c.5988T>G, p.Pro1996= (NM_001354897.2); c.5883T>G, p.Pro1961= (NM_001354898.2); c.5874T>G, p.Pro1958= (NM_001354899.2); c.5835T>G, p.Pro1945= (NM_001354900.2); c.5781T>G, p.Pro1927= (NM_001354901.2); and 5 more.
Identifiers: ClinVar variation 747573 (VCV000747573.4), dbSNP rs1580666062, ClinGen allele CA446210083.